The following is an entry in ClinVar:

ClinVar aggregate classification (germline): Pathogenic/Likely pathogenic. Review status: criteria provided, multiple submitters, no conflicts (2 of 4 stars). 2 submissions from 2 submitters: Pathogenic (1); Likely pathogenic (1). Last evaluated 2021-12-28.

Conditions:
Hereditary cancer-predisposing syndrome. Also called: Hereditary Cancer Syndrome; Neoplastic Syndromes, Hereditary; Tumor predisposition; Hereditary neoplastic syndrome. Identifiers: Orphanet 140162, MedGen C0027672, MeSH D009386, MONDO:0015356.
Familial cancer of breast. Also called: BREAST CANCER, FAMILIAL; Hereditary breast cancer; hereditary breast carcinoma. Identifiers: Orphanet 227535, MedGen C0346153, MONDO:0016419, OMIM 114480. Disease mechanism: loss of function.

Submissions (2):

Baylor Genetics
Classification: Likely pathogenic for Familial cancer of breast. Last evaluated: 2021-12-28. Review status: criteria provided, single submitter. Criteria: ACMG Guidelines, 2015. Collection method: clinical testing. Allele origin: unknown.

Ambry Genetics
Classification: Pathogenic for Hereditary cancer-predisposing syndrome. Last evaluated: 2020-03-13. Review status: criteria provided, single submitter. Criteria: Ambry Variant Classification Scheme 2023. Collection method: clinical testing. Allele origin: germline.
Comment: The c.4975_4982dupATAAACCA pathogenic mutation, located in coding exon 32 of the ATM gene, results from a duplication of ATAAACCA at nucleotide position 4975, causing a translational frameshift with a predicted alternate stop codon (p.H1661Qfs*2). This alteration is expected to result in loss of function by premature protein truncation or nonsense-mediated mRNA decay. As such, this alteration is interpreted as a disease-causing mutation.

NM_000051.4(ATM):c.4975_4982dup (p.His1661delinsGlnTer)

Gene: ATM (ATM serine/threonine kinase; plus strand). Cytogenetic location: 11q22.3.
Variant type: Duplication.
Coding change: c.4975_4982dup on transcript NM_000051.4 (MANE Select); coding-DNA positions 4975 to 4982, 8 bases duplicated (ATAAACCA; older notation c.4975_4982dupATAAACCA).
Protein change: p.His1661delinsGlnTer.
Molecular consequence: nonsense. On other transcripts: frameshift variant (1).
Genome position (GRCh38, 1-based): chr11:108,297,352-108,297,359, ATAAACCA duplicated; duplicating any 8 consecutive bases within chr11:108,297,350-108,297,359 gives the same sequence; the c. name uses the placement nearest the transcript's 3' end. VCF-style (leftmost placement, unchanged base first): chr11-108297349-G-GCAATAAAC. GRCh37 (hg19) VCF-style: chr11-108168076-G-GCAATAAAC.
Other names: c.4975_4982dup, p.His1661delinsGlnTer (NM_001351834.2); c.4975_4982dupATAAACCA (NM_000051.3).
Identifiers: ClinVar variation 1744487 (VCV001744487.3), dbSNP rs2546955037, ClinGen allele CA2580083480.